The following is an entry in ClinVar:

NM_001363118.2(SLC52A2):c.167C>T (p.Ala56Val)

Gene: SLC52A2 (solute carrier family 52 member 2; plus strand). Cytogenetic location: 8q24.3.
Variant type: single nucleotide variant.
Coding change: c.167C>T on transcript NM_001363118.2 (MANE Select); coding-DNA position 167, C replaced by T.
Protein change: p.Ala56Val; replaces alanine 56 with valine.
Molecular consequence: missense variant. On other transcripts: non-coding transcript variant (1), intron variant (1).
Genome position (GRCh38, 1-based): chr8:144,359,659, C>T. VCF-style: chr8-144359659-C-T. GRCh37 (hg19) VCF-style: chr8-145583319-C-T.
Other names: c.167C>T, p.Ala56Val (NM_001253815.2, NM_001253816.2, NM_001363120.2 and 2 more transcripts); c.130+236C>T (NM_001363122.2); short protein forms A56V.
Identifiers: ClinVar variation 1297712 (VCV001297712.11), dbSNP rs781884010, ClinGen allele CA4938136.

ClinVar aggregate classification (germline): Uncertain significance. Review status: criteria provided, multiple submitters, no conflicts (2 of 4 stars). 5 submissions from 5 submitters: Uncertain significance (3). 2 of the submissions do not count toward it. Last evaluated 2023-07-11.

Conditions:
Inborn genetic diseases. Identifiers: MedGen C0950123, MeSH D030342.
Brown-Vialetto-van Laere syndrome 2. Also called: SPINOCEREBELLAR ATAXIA WITH BLINDNESS AND DEAFNESS 2; Riboflavin transporter deficiency type 2. Identifiers: Orphanet 572543, Orphanet 97229, MedGen C3553538, MONDO:0013867, OMIM 614707.

Allele frequency attached by ClinVar (database versions not stated): gnomAD exomes 0.00001; TOPMed 0.00001; ExAC 0.00002.

Submissions (5):

Blueprint Genetics
Classification: Uncertain significance. Last evaluated: 2023-07-11. Review status: criteria provided, single submitter. Criteria: ACMG Guidelines, 2015. Collection method: clinical testing. Allele origin: germline.

Labcorp Genetics (formerly Invitae), Labcorp
Classification: Uncertain significance for Brown-Vialetto-van Laere syndrome 2. Last evaluated: 2022-07-17. Review status: criteria provided, single submitter. Criteria: Invitae Variant Classification Sherloc (09022015). Collection method: clinical testing. Allele origin: germline.
Comment: This sequence change replaces alanine, which is neutral and non-polar, with valine, which is neutral and non-polar, at codon 56 of the SLC52A2 protein (p.Ala56Val). This variant is present in population databases (rs781884010, gnomAD 0.003%). This missense change has been observed in individual(s) with BVVLS2 (PMID: 31152317). ClinVar contains an entry for this variant (Variation ID: 1297712). Advanced modeling of protein sequence and biophysical properties (such as structural, functional, and spatial information, amino acid conservation, physicochemical variation, residue mobility, and thermodynamic stability) performed at Invitae indicates that this missense variant is expected to disrupt SLC52A2 protein function. In summary, the available evidence is currently insufficient to determine the role of this variant in disease. Therefore, it has been classified as a Variant of Uncertain Significance.

Ambry Genetics
Classification: Uncertain significance for Inborn genetic diseases. Last evaluated: 2020-03-20. Review status: criteria provided, single submitter. Criteria: Ambry Variant Classification Scheme 2023. Collection method: clinical testing. Allele origin: germline.
Comment: The p.A56V variant (also known as c.167C>T), located in coding exon 2 of the SLC52A2 gene, results from a C to T substitution at nucleotide position 167. The alanine at codon 56 is replaced by valine, an amino acid with similar properties. This amino acid position is well conserved in available vertebrate species. In addition, this alteration is predicted to be tolerated by in silico analysis. Since supporting evidence is limited at this time, the clinical significance of this alteration remains unclear.

Clinical Genetics DNA and cytogenetics Diagnostics Lab, Erasmus MC, Erasmus Medical Center
Classification: Uncertain significance. Review status: no assertion criteria provided. Collection method: clinical testing. Allele origin: germline. Affected: yes. Study: VKGL Data-share Consensus. Not counted in ClinVar's aggregate classification.

Joint Genome Diagnostic Labs from Nijmegen and Maastricht, Radboudumc and MUMC+
Classification: Uncertain significance. Review status: no assertion criteria provided. Collection method: clinical testing. Allele origin: germline. Affected: yes. Study: VKGL Data-share Consensus. Not counted in ClinVar's aggregate classification.

Literature cited by the submitters: PubMed 31152317 (cited by Labcorp Genetics (formerly Invitae), Labcorp).